The following is an entry in ClinVar:

NM_032608.7(MYO18B):c.3989A>C (p.Lys1330Thr)

Gene: MYO18B (myosin XVIIIB; plus strand). Cytogenetic location: 22q12.1.
Variant type: single nucleotide variant.
Coding change: c.3989A>C on transcript NM_032608.7 (MANE Select); coding-DNA position 3989, A replaced by C.
Protein change: p.Lys1330Thr; replaces lysine 1330 with threonine.
Molecular consequence: missense variant.
Genome position (GRCh38, 1-based): chr22:25,874,323, A>C. VCF-style: chr22-25874323-A-C. GRCh37 (hg19) VCF-style: chr22-26270290-A-C.
Other names: c.3992A>C, p.Lys1331Thr (NM_001318245.2); short protein forms K1331T, K1330T.
Identifiers: ClinVar variation 1388840 (VCV001388840.6), dbSNP rs2146186315, ClinGen allele CA411006684.

ClinVar aggregate classification (germline): Uncertain significance (1 of 4 stars; one submission).

Submission:

Labcorp Genetics (formerly Invitae), Labcorp
Classification: Uncertain significance. Last evaluated: 2022-06-27. Review status: criteria provided, single submitter. Criteria: Invitae Variant Classification Sherloc (09022015). Collection method: clinical testing. Allele origin: germline.
Comment: In summary, the available evidence is currently insufficient to determine the role of this variant in disease. Therefore, it has been classified as a Variant of Uncertain Significance. Algorithms developed to predict the effect of missense changes on protein structure and function are either unavailable or do not agree on the potential impact of this missense change (SIFT: "Not Available"; PolyPhen-2: "Possibly Damaging"; Align-GVGD: "Not Available"). This variant has not been reported in the literature in individuals affected with MYO18B-related conditions. This variant is not present in population databases (gnomAD no frequency). This sequence change replaces lysine, which is basic and polar, with threonine, which is neutral and polar, at codon 1330 of the MYO18B protein (p.Lys1330Thr).